The following is an entry in ClinVar:

NM_000642.3(AGL):c.3195T>A (p.Asp1065Glu)

Gene: AGL (amylo-alpha-1,6-glucosidase and 4-alpha-glucanotransferase; plus strand). Cytogenetic location: 1p21.2.
Variant type: single nucleotide variant.
Coding change: c.3195T>A on transcript NM_000642.3 (MANE Select); coding-DNA position 3195, T replaced by A.
Protein change: p.Asp1065Glu; replaces aspartic acid 1065 with glutamic acid.
Molecular consequence: missense variant.
Genome position (GRCh38, 1-based): chr1:99,892,543, T>A. VCF-style: chr1-99892543-T-A. GRCh37 (hg19) VCF-style: chr1-100358099-T-A.
Other names: c.3195T>A, p.Asp1065Glu (NM_000028.3, NM_000643.3, NM_000644.3 and 1 more transcripts); c.3147T>A, p.Asp1049Glu (NM_000646.3); c.3174T>A, p.Asp1058Glu (NM_001425326.1); c.2994T>A, p.Asp998Glu (NM_001425327.1); c.2991T>A, p.Asp997Glu (NM_001425328.1); c.2856T>A, p.Asp952Glu (NM_001425329.1); c.2817T>A, p.Asp939Glu (NM_001425332.1); short protein forms D1049E, D1065E, D1058E, D939E, D952E, D997E, D998E.
Identifiers: ClinVar variation 1696151 (VCV001696151.4), dbSNP rs569268763, ClinGen allele CA27527928.

ClinVar aggregate classification (germline): Uncertain significance. Review status: criteria provided, multiple submitters, no conflicts (2 of 4 stars). 3 submissions from 3 submitters: Uncertain significance (3). Last evaluated 2023-04-11.

Conditions:
Glycogen storage disease type III (GSD3). Also called: Cori disease; FORBES DISEASE. Identifiers: Orphanet 366, MedGen C0017922, MONDO:0009291, OMIM 232400.

Allele frequency attached by ClinVar (database versions not stated): gnomAD exomes below 0.00001; TOPMed below 0.00001.
gnomAD v4.1: 9 of 1,613,678 alleles (0.00056%); highest among the groups gnomAD compares: African/African-American, 0.008%; no homozygotes.

Submissions (3):

Genome-Nilou Lab
Classification: Uncertain significance for Glycogen storage disease type III. Last evaluated: 2023-04-11. Review status: criteria provided, single submitter. Criteria: ACMG Guidelines, 2015. Collection method: clinical testing. Allele origin: germline. Affected: no.

Women's Health and Genetics/Laboratory Corporation of America, LabCorp
Classification: Uncertain significance. Last evaluated: 2022-05-03. Review status: criteria provided, single submitter. Criteria: LabCorp Variant Classification Summary - May 2015. Collection method: clinical testing. Allele origin: germline.

Labcorp Genetics (formerly Invitae), Labcorp
Classification: Uncertain significance for Glycogen storage disease type III. Last evaluated: 2022-03-09. Review status: criteria provided, single submitter. Criteria: Invitae Variant Classification Sherloc (09022015). Collection method: clinical testing. Allele origin: germline.
Comment: This sequence change replaces aspartic acid, which is acidic and polar, with glutamic acid, which is acidic and polar, at codon 1065 of the AGL protein (p.Asp1065Glu). This variant is not present in population databases (gnomAD no frequency). This variant has not been reported in the literature in individuals affected with AGL-related conditions. Algorithms developed to predict the effect of missense changes on protein structure and function are either unavailable or do not agree on the potential impact of this missense change (SIFT: "Deleterious"; PolyPhen-2: "Benign"; Align-GVGD: "Class C0"). In summary, the available evidence is currently insufficient to determine the role of this variant in disease. Therefore, it has been classified as a Variant of Uncertain Significance.